The following is an entry in ClinVar:

NM_020297.4(ABCC9):c.1544G>C (p.Cys515Ser)

Gene: ABCC9 (ATP binding cassette subfamily C member 9; minus strand). Cytogenetic location: 12p12.1.
Variant type: single nucleotide variant.
Coding change: c.1544G>C on transcript NM_020297.4 (MANE Select); coding-DNA position 1544, G replaced by C.
Protein change: p.Cys515Ser; replaces cysteine 515 with serine.
Molecular consequence: missense variant.
Genome position (GRCh38, 1-based): chr12:21,906,200, C>G on the plus strand (G>C on the coding strand, the complement: ABCC9 is on the minus strand). VCF-style: chr12-21906200-C-G. GRCh37 (hg19) VCF-style: chr12-22059134-C-G.
Other names: c.1544G>C, p.Cys515Ser (NM_001377273.1, NM_005691.4); c.680G>C, p.Cys227Ser (NM_001377274.1); short protein forms C227S, C515S.
Identifiers: ClinVar variation 836079 (VCV000836079.9), dbSNP rs1948040621, ClinGen allele CA384139234.

ClinVar aggregate classification (germline): Uncertain significance (1 of 4 stars; one submission).

Conditions:
Dilated cardiomyopathy 1O (CMD1O). Also called: CARDIOMYOPATHY, DILATED, WITH VENTRICULAR TACHYCARDIA. Identifiers: Orphanet 154, MedGen C1837839, MONDO:0012062, OMIM 608569.

Submission:

Labcorp Genetics (formerly Invitae), Labcorp
Classification: Uncertain significance for Dilated cardiomyopathy 1O. Last evaluated: 2019-02-01. Review status: criteria provided, single submitter. Criteria: Invitae Variant Classification Sherloc (09022015). Collection method: clinical testing. Allele origin: germline.
Comment: In summary, the available evidence is currently insufficient to determine the role of this variant in disease. Therefore, it has been classified as a Variant of Uncertain Significance. Algorithms developed to predict the effect of missense changes on protein structure and function (SIFT, PolyPhen-2, Align-GVGD) all suggest that this variant is likely to be tolerated, but these predictions have not been confirmed by published functional studies and their clinical significance is uncertain. This variant has not been reported in the literature in individuals with ABCC9-related conditions. This variant is not present in population databases (ExAC no frequency). This sequence change replaces cysteine with serine at codon 515 of the ABCC9 protein (p.Cys515Ser). The cysteine residue is highly conserved and there is a moderate physicochemical difference between cysteine and serine.